The following is an entry in ClinVar:

NM_000059.4(BRCA2):c.8063T>G (p.Leu2688Arg)

Gene: BRCA2 (BRCA2 DNA repair associated; plus strand). Cytogenetic location: 13q13.1.
Variant type: single nucleotide variant.
Coding change: c.8063T>G on transcript NM_000059.4 (MANE Select); coding-DNA position 8063, T replaced by G.
Protein change: p.Leu2688Arg; replaces leucine 2688 with arginine.
Molecular consequence: missense variant. On other transcripts: non-coding transcript variant (1).
Genome position (GRCh38, 1-based): chr13:32,363,265, T>G. VCF-style: chr13-32363265-T-G. GRCh37 (hg19) VCF-style: chr13-32937402-T-G.
Other names: c.8063T>G, p.Leu2688Arg (NM_001432077.1, NM_001406720.1); c.7967T>G, p.Leu2656Arg (NM_001406719.1); c.3131T>G, p.Leu1044Arg (NM_001406721.1); c.1646T>G, p.Leu549Arg (NM_001406722.1); short protein forms L1044R, L2688R, L2656R, L549R.
Identifiers: ClinVar variation 3992809 (VCV003992809.2).

ClinVar aggregate classification (germline): Uncertain significance. Review status: criteria provided, multiple submitters, no conflicts (2 of 4 stars). 2 submissions from 2 submitters: Uncertain significance (2). Last evaluated 2025-05-10.

Conditions:
Hereditary cancer-predisposing syndrome. Also called: Tumor predisposition; Hereditary neoplastic syndrome; Neoplastic Syndromes, Hereditary; Hereditary Cancer Syndrome. Identifiers: Orphanet 140162, MedGen C0027672, MeSH D009386, MONDO:0015356.

Submissions (2):

Ambry Genetics
Classification: Uncertain significance for Hereditary cancer-predisposing syndrome. Last evaluated: 2025-05-10. Review status: criteria provided, single submitter. Criteria: Ambry Variant Classification Scheme 2023. Collection method: clinical testing. Allele origin: germline.
Comment: The p.L2688R variant (also known as c.8063T>G), located in coding exon 17 of the BRCA2 gene, results from a T to G substitution at nucleotide position 8063. The leucine at codon 2688 is replaced by arginine, an amino acid with dissimilar properties. The results from two saturation genome editing-based studies, including a haploid cell-survival assay and a humanized mouse embryonic stem cell line assay of drug response and survival, are discordant for this nucleotide substitution (Huang H et al. Nature. 2025 Feb;638(8050):528-537; Sahu S et al. Nature. 2025 Feb;638(8050):538-545).Based on internal structural analysis, L2688R is deleterious (Ambry internal data). This amino acid position is highly conserved in available vertebrate species. In addition, this alteration is predicted to be deleterious by in silico analysis. Based on the available evidence, the clinical significance of this variant remains unclear.

Quest Diagnostics Nichols Institute San Juan Capistrano
Classification: Uncertain significance. Last evaluated: 2025-02-01. Review status: criteria provided, single submitter. Criteria: Quest Diagnostics criteria. Collection method: clinical testing. Allele origin: unknown.
Comment: The BRCA2 c.8063T>G (p.Leu2688Arg) variant has not been reported in individuals with BRCA2-related conditions in the published literature. It also has not been reported in large, multi-ethnic general populations (Genome Aggregation Database). Analysis of this variant using bioinformatics tools for the prediction of the effect of amino acid changes on protein structure and function yielded predictions that this variant is damaging. Based on the available information, we are unable to determine the clinical significance of this variant.

Literature cited by the submitters: PubMed 39779848 (cited by Ambry Genetics); PubMed 39779857 (cited by Ambry Genetics).